The following is an entry in ClinVar:

ClinVar aggregate classification (germline): Likely benign. Review status: criteria provided, multiple submitters, no conflicts (2 of 4 stars). 3 submissions from 3 submitters: Likely benign (3). Last evaluated 2022-10-31.

Allele frequency attached by ClinVar (database versions not stated): gnomAD 0.00001; TOPMed 0.00002; ExAC 0.00003; gnomAD exomes 0.00005 and 0.00001.
gnomAD v4.1: 20 of 1,611,730 alleles (0.0012%); highest among the groups gnomAD compares: East Asian, 0.045%; no homozygotes.

Submissions (3):

Labcorp Genetics (formerly Invitae), Labcorp
Classification: Likely benign. Last evaluated: 2022-10-31. Review status: criteria provided, single submitter. Criteria: Invitae Variant Classification Sherloc (09022015). Collection method: clinical testing. Allele origin: germline.

Laboratory for Molecular Medicine, Mass General Brigham Personalized Medicine
Classification: Likely benign. Last evaluated: 2016-01-12. Review status: criteria provided, single submitter. Criteria: LMM Criteria. Collection method: clinical testing. Allele origin: germline. Observed: 1 variant allele.
Comment: p.Ser451Ser in exon 4 of SOX10: This variant is not expected to have clinical s ignificance because it does not alter an amino acid residue and is not located w ithin the splice consensus sequence. It has been identified in 3/7628 of East As ian chromosomes by the Exome Aggregation Consortium (ExAC).

PreventionGenetics, part of Exact Sciences
Classification: Likely benign. Review status: criteria provided, single submitter. Criteria: ACMG Guidelines, 2015. Collection method: clinical testing. Allele origin: germline.

NM_006941.4(SOX10):c.1353C>T (p.Ser451=)

Genes: POLR2F (RNA polymerase II, I and III subunit F; plus strand), SOX10 (SRY-box transcription factor 10; minus strand). Cytogenetic location: 22q13.1.
Variant type: single nucleotide variant.
Coding change: c.1353C>T on transcript NM_006941.4 (MANE Select); coding-DNA position 1353, C replaced by T.
Protein change: p.Ser451=; no amino-acid change (serine 451 retained).
Molecular consequence: synonymous variant. On other transcripts: intron variant (3).
Genome position (GRCh38, 1-based): chr22:37,973,543, G>A on the plus strand (C>T on the coding strand, the complement: SOX10 is on the minus strand). VCF-style: chr22-37973543-G-A. GRCh37 (hg19) VCF-style: chr22-38369550-G-A.
Other names: c.*38+1233G>A (NM_001363825.1); c.293+6373G>A (NM_001301130.2, NM_001301131.2).
Identifiers: ClinVar variation 227958 (VCV000227958.12), dbSNP rs758935474, ClinGen allele CA10228488.